The following is an entry in ClinVar:

NM_003055.3(SLC18A3):c.1510G>T (p.Val504Leu)

Genes: CHAT (choline O-acetyltransferase; plus strand), SLC18A3 (solute carrier family 18 member A3; plus strand). Cytogenetic location: 10q11.23.
Variant type: single nucleotide variant.
Coding change: c.1510G>T on transcript NM_003055.3 (MANE Select); coding-DNA position 1510, G replaced by T.
Protein change: p.Val504Leu; replaces valine 504 with leucine.
Molecular consequence: missense variant. On other transcripts: intron variant (1).
Genome position (GRCh38, 1-based): chr10:49,612,250, G>T. VCF-style: chr10-49612250-G-T. GRCh37 (hg19) VCF-style: chr10-50820296-G-T.
Other names: c.1510G>T (NM_003055.2); c.-69+3051G>T (NM_020984.4); short protein forms V504L.
Identifiers: ClinVar variation 1923830 (VCV001923830.6), dbSNP rs61846640, ClinGen allele CA5496988.

ClinVar aggregate classification (germline): Uncertain significance. Review status: criteria provided, multiple submitters, no conflicts (2 of 4 stars). 3 submissions from 3 submitters: Uncertain significance (3). Last evaluated 2025-08-05.

Conditions:
Inborn genetic diseases. Identifiers: MedGen C0950123, MeSH D030342.
Congenital myasthenic syndrome 21. Also called: Myasthenic syndrome, congenital, 21, presynaptic. Identifiers: MedGen C4310654, MONDO:0014983, OMIM 617239.

Allele frequency attached by ClinVar (database versions not stated): gnomAD 0.00001; gnomAD exomes 0.00002; ESP Exome Variant Server 0.00008; ExAC 0.00002; TOPMed below 0.00001.
gnomAD v4.1: 26 of 1,610,208 alleles (0.0016%); highest among the groups gnomAD compares: East Asian, 0.0022%; no homozygotes.

Submissions (3):

Ambry Genetics
Classification: Uncertain significance for Inborn genetic diseases. Last evaluated: 2025-08-05. Review status: criteria provided, single submitter. Criteria: Ambry Variant Classification Scheme 2023. Collection method: clinical testing. Allele origin: germline.

Revvity Omics, Revvity
Classification: Uncertain significance for Congenital myasthenic syndrome 21. Last evaluated: 2023-10-17. Review status: criteria provided, single submitter. Criteria: ACMG Guidelines, 2015. Collection method: clinical testing. Allele origin: germline.

Labcorp Genetics (formerly Invitae), Labcorp
Classification: Uncertain significance. Last evaluated: 2022-03-14. Review status: criteria provided, single submitter. Criteria: Invitae Variant Classification Sherloc (09022015). Collection method: clinical testing. Allele origin: germline.
Comment: This variant has not been reported in the literature in individuals affected with SLC18A3-related conditions. This variant is present in population databases (rs61846640, gnomAD 0.003%). This sequence change replaces valine, which is neutral and non-polar, with leucine, which is neutral and non-polar, at codon 504 of the SLC18A3 protein (p.Val504Leu). In summary, the available evidence is currently insufficient to determine the role of this variant in disease. Therefore, it has been classified as a Variant of Uncertain Significance. Algorithms developed to predict the effect of missense changes on protein structure and function output the following: SIFT: "Tolerated"; PolyPhen-2: "Benign"; Align-GVGD: "Class C0". The leucine amino acid residue is found in multiple mammalian species, which suggests that this missense change does not adversely affect protein function.